The following is an entry in ClinVar:

ClinVar aggregate classification (germline): Conflicting classifications of pathogenicity. Review status: criteria provided, conflicting classifications (1 of 4 stars). 2 submissions from 2 submitters: Uncertain significance (1); Likely benign (1). Last evaluated 2026-05-07.

Conditions:
Dyskeratosis congenita. Identifiers: Orphanet 1775, MedGen C0265965, MONDO:0015780.
Idiopathic Pulmonary Fibrosis. Also called: Idiopathic fibrosing alveolitis, chronic form; idiopathic fibrosing alveolitis. Identifiers: Orphanet 2032, MedGen C1800706, MeSH D054990, MONDO:0800504.
Dyskeratosis congenita, autosomal dominant 2. Identifiers: MedGen C3151443, MONDO:0013521, OMIM 613989.

Allele frequency attached by ClinVar (database versions not stated): gnomAD exomes below 0.00001.
gnomAD v4.1: 5 of 1,614,060 alleles (0.00031%); highest among the groups gnomAD compares: Non-Finnish European, 0.00042%; no homozygotes.

Submissions (2):

Ambry Genetics
Classification: Uncertain significance for Dyskeratosis congenita. Last evaluated: 2026-05-07. Review status: criteria provided, single submitter. Criteria: Ambry Variant Classification Scheme 2023. Collection method: clinical testing. Allele origin: germline.
Comment: The c.3033-5C>T intronic variant results from a C to T substitution 5 nucleotides upstream from coding exon 14 in the TERT gene. This nucleotide position is highly conserved in available vertebrate species. In silico splice site analysis predicts that this alteration will not have any significant effect on splicing. Based on the available evidence, the clinical significance of this variant remains unclear.

Labcorp Genetics (formerly Invitae), Labcorp
Classification: Likely benign for Dyskeratosis congenita, autosomal dominant 2; Idiopathic Pulmonary Fibrosis. Last evaluated: 2025-11-09. Review status: criteria provided, single submitter. Criteria: Invitae Variant Classification Sherloc (09022015). Collection method: clinical testing. Allele origin: germline.

NM_198253.3(TERT):c.3033-5C>T

Gene: TERT (telomerase reverse transcriptase; minus strand). Cytogenetic location: 5p15.33.
Variant type: single nucleotide variant.
Coding change: c.3033-5C>T on transcript NM_198253.3 (MANE Select); 5 bases into the intron before coding-DNA position 3033, C replaced by T.
Molecular consequence: intron variant.
Genome position (GRCh38, 1-based): chr5:1,255,416, G>A on the plus strand (C>T on the coding strand, the complement: TERT is on the minus strand). VCF-style: chr5-1255416-G-A. GRCh37 (hg19) VCF-style: chr5-1255531-G-A.
Other names: c.2844-5C>T (NM_001193376.3); c.3033-5C>T (NM_198253.2).
Identifiers: ClinVar variation 1077215 (VCV001077215.10), dbSNP rs1561187195, ClinGen allele CA557563309.
Genomic context (GRCh38, chr5:1,255,416, plus strand): 5'-TGGGGTTCTTCCAAACTTGCTGATGAAATGGGAGCTGCAGCACACATGCGTGAAACCTGA[G>A]AGGATGGCGGACAGCGTCAGAGGAAAGGCCTCCTAATCAGACGGTGCTCGTGGGTGTGGG-3'